The following is an entry in ClinVar:

ClinVar aggregate classification (germline): Uncertain significance (1 of 4 stars; one submission).

Conditions:
Hereditary cancer-predisposing syndrome. Also called: Tumor predisposition; Neoplastic Syndromes, Hereditary; Hereditary Cancer Syndrome; Hereditary neoplastic syndrome. Identifiers: Orphanet 140162, MedGen C0027672, MeSH D009386, MONDO:0015356.

gnomAD v4.1: 1 of 1,614,206 alleles (0.000062%); highest among the groups gnomAD compares: Non-Finnish European, 0.000085%; no homozygotes.

Submission:

Ambry Genetics
Classification: Uncertain significance for Hereditary cancer-predisposing syndrome. Last evaluated: 2024-08-01. Review status: criteria provided, single submitter. Criteria: Ambry Variant Classification Scheme 2023. Collection method: clinical testing. Allele origin: germline.
Comment: The p.T317I variant (also known as c.950C>T), located in coding exon 6 of the FLCN gene, results from a C to T substitution at nucleotide position 950. The threonine at codon 317 is replaced by isoleucine, an amino acid with similar properties. This amino acid position is conserved. In addition, this alteration is predicted to be tolerated by in silico analysis. Based on the available evidence, the clinical significance of this variant remains unclear.

NM_144997.7(FLCN):c.950C>T (p.Thr317Ile)

Gene: FLCN (folliculin; minus strand). Cytogenetic location: 17p11.2.
Variant type: single nucleotide variant.
Coding change: c.950C>T on transcript NM_144997.7 (MANE Select); coding-DNA position 950, C replaced by T.
Protein change: p.Thr317Ile; replaces threonine 317 with isoleucine.
Molecular consequence: missense variant.
Genome position (GRCh38, 1-based): chr17:17,219,131, G>A on the plus strand (C>T on the coding strand, the complement: FLCN is on the minus strand). VCF-style: chr17-17219131-G-A. GRCh37 (hg19) VCF-style: chr17-17122445-G-A.
Other names: c.1004C>T, p.Thr335Ile (NM_001353229.2); c.950C>T, p.Thr317Ile (NM_001353230.2, NM_001353231.2); short protein forms T317I, T335I.
Identifiers: ClinVar variation 3515609 (VCV003515609.1).